The following is an entry in ClinVar:

NM_001243133.2(NLRP3):c.1590G>A (p.Met530Ile)

Gene: NLRP3 (NLR family pyrin domain containing 3; plus strand). Cytogenetic location: 1q44.
Variant type: single nucleotide variant.
Coding change: c.1590G>A on transcript NM_001243133.2 (MANE Select); coding-DNA position 1590, G replaced by A.
Protein change: p.Met530Ile; replaces methionine 530 with isoleucine.
Molecular consequence: missense variant.
Genome position (GRCh38, 1-based): chr1:247,425,039, G>A. VCF-style: chr1-247425039-G-A. GRCh37 (hg19) VCF-style: chr1-247588341-G-A.
Other names: c.1590G>A, p.Met530Ile (NM_001079821.3, NM_001127461.3, NM_001127462.3 and 1 more transcripts); c.1596G>A, p.Met532Ile (NM_004895.5); short protein forms M530I, M532I.
Identifiers: ClinVar variation 3690768 (VCV003690768.2).

ClinVar aggregate classification (germline): Uncertain significance (1 of 4 stars; one submission).

Conditions:
Cryopyrin associated periodic syndrome (CAPS). Identifiers: Orphanet 208650, MedGen C2316212, MONDO:0016168.

gnomAD v4.1: 1 of 1,614,188 alleles (0.000062%); no homozygotes.

Submission:

Labcorp Genetics (formerly Invitae), Labcorp
Classification: Uncertain significance for Cryopyrin associated periodic syndrome. Last evaluated: 2024-11-16. Review status: criteria provided, single submitter. Criteria: Invitae Variant Classification Sherloc (09022015). Collection method: clinical testing. Allele origin: germline.
Comment: This sequence change replaces methionine, which is neutral and non-polar, with isoleucine, which is neutral and non-polar, at codon 532 of the NLRP3 protein (p.Met532Ile). This variant is present in population databases (no rsID available, gnomAD 0.004%). This variant has not been reported in the literature in individuals affected with NLRP3-related conditions. Invitae Evidence Modeling of protein sequence and biophysical properties (such as structural, functional, and spatial information, amino acid conservation, physicochemical variation, residue mobility, and thermodynamic stability) has been performed for this missense variant. However, the output from this modeling did not meet the statistical confidence thresholds required to predict the impact of this variant on NLRP3 protein function. In summary, the available evidence is currently insufficient to determine the role of this variant in disease. Therefore, it has been classified as a Variant of Uncertain Significance.